The following is an entry in ClinVar:

ClinVar aggregate classification (germline): Pathogenic (1 of 4 stars; one submission).

Conditions:
Insulin-dependent diabetes mellitus secretory diarrhea syndrome (IPEX). Also called: Immunodeficiency, Polyendocrinopathy, and Enteropathy X-Linked Syndrome; X-Linked Syndrome of Polyendocrinopathy, Immune Dysfunction, and Diarrhea; DIABETES MELLITUS, CONGENITAL INSULIN-DEPENDENT, WITH FATAL SECRETORY DIARRHEA; DIARRHEA, POLYENDOCRINOPATHY, FATAL INFECTION SYNDROME, X-LINKED; ENTEROPATHY, AUTOIMMUNE, WITH HEMOLYTIC ANEMIA AND POLYENDOCRINOPATHY; X-Linked Autoimmunity-Allergic Dysregulation Syndrome. Identifiers: Orphanet 37042, MedGen C0342288, MONDO:0010580, OMIM 304790. Disease mechanism: loss of function.

Submission:

Labcorp Genetics (formerly Invitae), Labcorp
Classification: Pathogenic for Insulin-dependent diabetes mellitus secretory diarrhea syndrome. Last evaluated: 2019-11-19. Review status: criteria provided, single submitter. Criteria: Invitae Variant Classification Sherloc (09022015). Collection method: clinical testing. Allele origin: germline.
Comment: This sequence change affects a donor splice site in intron 2 of the FOXP3 gene. It is expected to disrupt RNA splicing and likely results in an absent or disrupted protein product. This variant is not present in population databases (ExAC no frequency). Variants at this splice site have been observed in several individuals affected with immune dysregulation, polyendocrinopathy, enteropathy, X-linked syndrome (PMID: 20650610, 30443250, 24250806). Donor and acceptor splice site variants typically lead to a loss of protein function (PMID: 16199547), and loss-of-function variants in FOXP3 are known to be pathogenic (PMID: 11137992, 11137993). For these reasons, this variant has been classified as Pathogenic.

Literature cited by the submitters: PubMed 11137993; PubMed 30443250; PubMed 11137992; PubMed 24250806; PubMed 20650610.

NM_014009.4(FOXP3):c.210+1G>A

Gene: FOXP3 (forkhead box P3; minus strand). Cytogenetic location: Xp11.23.
Variant type: single nucleotide variant.
Coding change: c.210+1G>A on transcript NM_014009.4 (MANE Select); the canonical splice donor site of the intron after coding-DNA position 210, G replaced by A.
Molecular consequence: splice donor variant.
Genome position (GRCh38, 1-based): chrX:49,258,295, C>T on the plus strand (G>A on the coding strand, the complement: FOXP3 is on the minus strand). VCF-style: chrX-49258295-C-T. GRCh37 (hg19) VCF-style: chrX-49114752-C-T.
Other names: c.210+1G>A (NM_001114377.2).
Identifiers: ClinVar variation 834992 (VCV000834992.1), dbSNP rs886041596, ClinGen allele CA412953739.
Genomic context (GRCh38, chrX:49,258,295, plus strand): 5'-TCGGCACCTGTAGGTCCAGGTACCCCACCCTGCCTGCCCCATCCTGGGCCCAGGGCCTCA[C>T]CTGCAGCTGCGATGGTGGCATGGGGTTCAAGGAAGAAGAGGAGGCATGGGCCCCGCCTCG-3'